The following is an entry in ClinVar:

ClinVar aggregate classification (germline): Uncertain significance (1 of 4 stars; one submission).

Conditions:
Cardiovascular phenotype. Identifiers: MedGen CN230736.

gnomAD v4.1: 12 of 1,614,168 alleles (0.00074%); highest among the groups gnomAD compares: Non-Finnish European, 0.001%; no homozygotes.

Submission:

Ambry Genetics
Classification: Uncertain significance for Cardiovascular phenotype. Last evaluated: 2025-10-03. Review status: criteria provided, single submitter. Criteria: Ambry Variant Classification Scheme 2023. Collection method: clinical testing. Allele origin: germline.
Comment: The p.E523G variant (also known as c.1568A>G), located in coding exon 13 of the PTPN11 gene, results from an A to G substitution at nucleotide position 1568. The glutamic acid at codon 523 is replaced by glycine, an amino acid with similar properties. This amino acid position is conserved. In addition, the in silico prediction for this alteration is inconclusive. Based on the available evidence, the clinical significance of this variant remains unclear.

NM_002834.5(PTPN11):c.1568A>G (p.Glu523Gly)

Gene: PTPN11 (protein tyrosine phosphatase non-receptor type 11; plus strand). Cytogenetic location: 12q24.13.
Variant type: single nucleotide variant.
Coding change: c.1568A>G on transcript NM_002834.5 (MANE Select); coding-DNA position 1568, A replaced by G.
Protein change: p.Glu523Gly; replaces glutamic acid 523 with glycine.
Molecular consequence: missense variant.
Genome position (GRCh38, 1-based): chr12:112,489,144, A>G. VCF-style: chr12-112489144-A-G. GRCh37 (hg19) VCF-style: chr12-112926948-A-G.
Other names: c.1580A>G, p.Glu527Gly (NM_001330437.2); c.1565A>G, p.Glu522Gly (NM_001374625.1); short protein forms E522G, E523G, E527G.
Identifiers: ClinVar variation 4614768 (VCV004614768.1).